The following is an entry in ClinVar:

NM_000517.6(HBA2):c.300+8G>A

Genes: HBA2 (hemoglobin subunit alpha 2; plus strand), LOC106804612 (hemoglobin subunit alpha 2 recombination region; plus strand). Cytogenetic location: 16p13.3.
Variant type: single nucleotide variant.
Coding change: c.300+8G>A on transcript NM_000517.6 (MANE Select); 8 bases into the intron after coding-DNA position 300, G replaced by A.
Molecular consequence: intron variant.
Genome position (GRCh38, 1-based): chr16:173,337, G>A. VCF-style: chr16-173337-G-A. GRCh37 (hg19) VCF-style: chr16-223336-G-A.
Identifiers: ClinVar variation 1809562 (VCV001809562.5), dbSNP rs772453925, ClinGen allele CA7770129.

ClinVar aggregate classification (germline): Conflicting classifications of pathogenicity. Review status: criteria provided, conflicting classifications (1 of 4 stars). 3 submissions from 3 submitters: Uncertain significance (1); Likely benign (1). 1 of the submissions does not count toward it. Last evaluated 2025-06-20.

Conditions:
HBA2-related disorder. Also called: HBA2-related condition.

Allele frequency attached by ClinVar (database versions not stated): gnomAD 0.00001; gnomAD exomes 0.00004; TOPMed 0.00005; ExAC 0.00020.
gnomAD v4.1: 54 of 1,588,462 alleles (0.0034%); highest among the groups gnomAD compares: Admixed American, 0.081%; 1 homozygote.

Submissions (3):

ARUP Laboratories, Molecular Genetics and Genomics, ARUP Laboratories
Classification: Likely benign. Last evaluated: 2025-06-20. Review status: criteria provided, single submitter. Criteria: ARUP Molecular Germline Variant Investigation Process 2024. Collection method: clinical testing. Allele origin: germline.

Quest Diagnostics Nichols Institute San Juan Capistrano
Classification: Uncertain significance. Last evaluated: 2021-07-17. Review status: criteria provided, single submitter. Criteria: Quest Diagnostics criteria. Collection method: clinical testing. Allele origin: unknown.

PreventionGenetics, part of Exact Sciences
Classification: Likely benign for HBA2-related condition. Last evaluated: 2021-06-08. Review status: no assertion criteria provided. Collection method: clinical testing. Allele origin: germline. Not counted in ClinVar's aggregate classification.
Comment: This variant is classified as likely benign based on ACMG/AMP sequence variant interpretation guidelines (Richards et al. 2015 PMID: 25741868, with internal and published modifications).